The following is an entry in ClinVar:

NM_001142800.2(EYS):c.1120T>C (p.Cys374Arg)

Gene: EYS (EGF-like photoreceptor maintenance factor; minus strand). Cytogenetic location: 6q12.
Variant type: single nucleotide variant.
Coding change: c.1120T>C on transcript NM_001142800.2 (MANE Select); coding-DNA position 1120, T replaced by C.
Protein change: p.Cys374Arg; replaces cysteine 374 with arginine.
Molecular consequence: missense variant.
Genome position (GRCh38, 1-based): chr6:65,402,542, A>G on the plus strand (T>C on the coding strand, the complement: EYS is on the minus strand). VCF-style: chr6-65402542-A-G. GRCh37 (hg19) VCF-style: chr6-66112435-A-G.
Other names: c.1120T>C, p.Cys374Arg (NM_001142801.2, NM_001292009.2, NM_198283.2); short protein forms C374R.
Identifiers: ClinVar variation 1930313 (VCV001930313.6), dbSNP rs1194096170, ClinGen allele CA364662393.

ClinVar aggregate classification (germline): Uncertain significance. Review status: criteria provided, multiple submitters, no conflicts (2 of 4 stars). 2 submissions from 2 submitters: Uncertain significance (2). Last evaluated 2024-02-21.

gnomAD v4.1: 1 of 1,562,050 alleles (0.000064%); highest among the groups gnomAD compares: Non-Finnish European, 0.000088%; no homozygotes.

Submissions (2):

Blueprint Genetics
Classification: Uncertain significance. Last evaluated: 2024-02-21. Review status: criteria provided, single submitter. Criteria: ACMG Guidelines, 2015. Collection method: clinical testing. Allele origin: germline.

Labcorp Genetics (formerly Invitae), Labcorp
Classification: Uncertain significance. Last evaluated: 2023-08-04. Review status: criteria provided, single submitter. Criteria: Invitae Variant Classification Sherloc (09022015). Collection method: clinical testing. Allele origin: germline.
Comment: This sequence change replaces cysteine, which is neutral and slightly polar, with arginine, which is basic and polar, at codon 374 of the EYS protein (p.Cys374Arg). In summary, the available evidence is currently insufficient to determine the role of this variant in disease. Therefore, it has been classified as a Variant of Uncertain Significance. Algorithms developed to predict the effect of missense changes on protein structure and function output the following: SIFT: "Not Available"; PolyPhen-2: "Benign"; Align-GVGD: "Not Available". The arginine amino acid residue is found in multiple mammalian species, which suggests that this missense change does not adversely affect protein function. ClinVar contains an entry for this variant (Variation ID: 1930313). This variant has not been reported in the literature in individuals affected with EYS-related conditions. This variant is not present in population databases (gnomAD no frequency).